The following is an entry in ClinVar:

ClinVar aggregate classification (germline): Likely benign. Review status: criteria provided, multiple submitters, no conflicts (2 of 4 stars). 2 submissions from 2 submitters: Likely benign (2). Last evaluated 2025-10-28.

Conditions:
Familial sleep-related hypermotor epilepsy. Also called: Autosomal Dominant Sleep-Related Hypermotor (Hyperkinetic) Epilepsy. Identifiers: Orphanet 98784, MedGen C3696898, MONDO:0000030.

Allele frequency attached by ClinVar (database versions not stated): TOPMed 0.00003; gnomAD exomes below 0.00001; gnomAD 0.00003.
gnomAD v4.1: 10 of 1,613,994 alleles (0.00062%); highest among the groups gnomAD compares: African/African-American, 0.013%; no homozygotes.

Submissions (2):

Labcorp Genetics (formerly Invitae), Labcorp
Classification: Likely benign. Last evaluated: 2025-10-28. Review status: criteria provided, single submitter. Criteria: Invitae Variant Classification Sherloc (09022015). Collection method: clinical testing. Allele origin: germline.

GeneDx
Classification: Likely benign. Last evaluated: 2017-01-23. Review status: criteria provided, single submitter. Criteria: GeneDx Variant Classification (06012015). Collection method: clinical testing. Allele origin: germline. Affected: yes.
Comment: This variant is considered likely benign or benign based on one or more of the following criteria: it is a conservative change, it occurs at a poorly conserved position in the protein, it is predicted to be benign by multiple in silico algorithms, and/or has population frequency not consistent with disease.

NM_000742.4(CHRNA2):c.1575A>G (p.Leu525=)

Gene: CHRNA2 (cholinergic receptor nicotinic alpha 2 subunit; minus strand). Cytogenetic location: 8p21.2.
Variant type: single nucleotide variant.
Coding change: c.1575A>G on transcript NM_000742.4 (MANE Select); coding-DNA position 1575, A replaced by G.
Protein change: p.Leu525=; no amino-acid change (leucine 525 retained).
Molecular consequence: synonymous variant.
Genome position (GRCh38, 1-based): chr8:27,461,644, T>C on the plus strand (A>G on the coding strand, the complement: CHRNA2 is on the minus strand). VCF-style: chr8-27461644-T-C. GRCh37 (hg19) VCF-style: chr8-27319161-T-C.
Other names: c.1530A>G, p.Leu510= (NM_001282455.2); c.1098A>G, p.Leu366= (NM_001347705.2, NM_001347706.2); c.981A>G, p.Leu327= (NM_001347707.2, NM_001347708.2).
Identifiers: ClinVar variation 506884 (VCV000506884.8), dbSNP rs1040135347, ClinGen allele CA174237109.